The following is an entry in ClinVar:

ClinVar aggregate classification (germline): Likely benign. Review status: criteria provided, multiple submitters, no conflicts (2 of 4 stars). 3 submissions from 3 submitters: Likely benign (2). 1 of the submissions does not count toward it. Last evaluated 2023-02-23.

Conditions:
ESR2-related disorder. Also called: ESR2-related condition.

Allele frequency attached by ClinVar (database versions not stated): gnomAD exomes 0.00010 and 0.00024; 1000 Genomes Project 30x 0.00031; 1000 Genomes Project 0.00040; ESP Exome Variant Server 0.00092; gnomAD 0.00100 and 0.00108; ExAC 0.00028; TOPMed 0.00114.
gnomAD v4.1: 302 of 1,610,314 alleles (0.019%); highest among the groups gnomAD compares: African/African-American, 0.36%; no homozygotes.

Submissions (3):

Labcorp Genetics (formerly Invitae), Labcorp
Classification: Likely benign. Last evaluated: 2023-02-23. Review status: criteria provided, single submitter. Criteria: Invitae Variant Classification Sherloc (09022015). Collection method: clinical testing. Allele origin: germline.

Breakthrough Genomics
Classification: Likely benign. Review status: criteria provided, single submitter. Criteria: ACMG Guidelines, 2015. Collection method: not provided. Allele origin: germline. Inheritance: Autosomal dominant inheritance. Affected: yes.

PreventionGenetics, part of Exact Sciences
Classification: Likely benign for ESR2-related condition. Last evaluated: 2019-07-12. Review status: no assertion criteria provided. Collection method: clinical testing. Allele origin: germline. Not counted in ClinVar's aggregate classification.
Comment: This variant is classified as likely benign based on ACMG/AMP sequence variant interpretation guidelines (Richards et al. 2015 PMID: 25741868, with internal and published modifications).

NM_001437.3(ESR2):c.808C>T (p.Leu270Phe)

Gene: ESR2 (estrogen receptor 2; minus strand). Cytogenetic location: 14q23.2.
Variant type: single nucleotide variant.
Coding change: c.808C>T on transcript NM_001437.3 (MANE Select); coding-DNA position 808, C replaced by T.
Protein change: p.Leu270Phe; replaces leucine 270 with phenylalanine.
Molecular consequence: missense variant. On other transcripts: non-coding transcript variant (2).
Genome position (GRCh38, 1-based): chr14:64,260,593, G>A on the plus strand (C>T on the coding strand, the complement: ESR2 is on the minus strand). VCF-style: chr14-64260593-G-A. GRCh37 (hg19) VCF-style: chr14-64727311-G-A.
Other names: c.808C>T, p.Leu270Phe (NM_001040275.1, NM_001214902.1, NM_001271876.1 and 3 more transcripts); short protein forms L270F.
Identifiers: ClinVar variation 735376 (VCV000735376.11), dbSNP rs139838202, ClinGen allele CA7225442.